The following is an entry in ClinVar:

NM_006019.4(TCIRG1):c.2008C>T (p.Arg670Ter)

Gene: TCIRG1 (T cell immune regulator 1, ATPase H+ transporting V0 subunit a3; plus strand). Cytogenetic location: 11q13.2.
Variant type: single nucleotide variant.
Coding change: c.2008C>T on transcript NM_006019.4 (MANE Select); coding-DNA position 2008, C replaced by T.
Protein change: p.Arg670Ter; replaces arginine 670 with a stop codon.
Molecular consequence: nonsense.
Genome position (GRCh38, 1-based): chr11:68,049,783, C>T. VCF-style: chr11-68049783-C-T. GRCh37 (hg19) VCF-style: chr11-67817250-C-T.
Other names: c.1114C>T, p.Arg372Ter (NM_001351059.2); c.1360C>T, p.Arg454Ter (NM_006053.4); short protein forms R670*, R372*, R454*.
Identifiers: ClinVar variation 551284 (VCV000551284.61), dbSNP rs371263807, ClinGen allele CA6147346.

ClinVar aggregate classification (germline): Pathogenic. Review status: criteria provided, multiple submitters, no conflicts (2 of 4 stars). 13 submissions from 13 submitters: Pathogenic (12). 1 of the submissions does not count toward it. Last evaluated 2025-09-10.

Conditions:
Autosomal recessive osteopetrosis 1. Also called: TCIRG1-Related Osteopetrosis; TCIRG1-Related Autosomal Recessive Osteopetrosis; ALBERS-SCHONBERG DISEASE, AUTOSOMAL RECESSIVE. Identifiers: Orphanet 667, MedGen C1850127, MONDO:0009815, OMIM 259700.
Osteopetrosis. Identifiers: Orphanet 2781, MedGen C0029454, MONDO:0017198, HP:0011002.

Allele frequency attached by ClinVar (database versions not stated): ExAC 0.00003; TOPMed 0.00005; ESP Exome Variant Server 0.00008; gnomAD 0.00010.
gnomAD v4.1: 118 of 1,570,360 alleles (0.0075%); highest among the groups gnomAD compares: Middle Eastern, 0.022%; no homozygotes.

Submissions (13):

Genomic Medicine Center of Excellence, King Faisal Specialist Hospital and Research Centre
Classification: Pathogenic for Autosomal recessive osteopetrosis 1. Last evaluated: 2025-09-10. Review status: criteria provided, single submitter. Criteria: ACMG Guidelines, 2015. Collection method: clinical testing. Allele origin: germline.

Natera, Inc.
Classification: Pathogenic for Infantile malignant osteopetrosis. Last evaluated: 2025-08-19. Review status: criteria provided, single submitter. Criteria: Natera Variant Classification Schema (03/2026). Collection method: clinical testing. Allele origin: germline.
Comment: The c.2008C>T variant in TCIRG1 is a nonsense variant predicted to introduce a stop codon at amino acid 670. This variant is expected to result in nonsense mediated decay, truncation, or a dysfunctional protein product. This variant is rare in the general population with a frequency below the threshold expected for the associated phenotype(s). This variant has been observed in one or more individuals affected with the associated recessive disease, as either homozygous or compound heterozygous with a second variant (PMID: 30539151). Given the available evidence, this variant is classified as Pathogenic.

Labcorp Genetics (formerly Invitae), Labcorp
Classification: Pathogenic. Last evaluated: 2025-08-13. Review status: criteria provided, single submitter. Criteria: Invitae Variant Classification Sherloc (09022015). Collection method: clinical testing. Allele origin: germline.
Comment: This sequence change creates a premature translational stop signal (p.Arg670*) in the TCIRG1 gene. It is expected to result in an absent or disrupted protein product. Loss-of-function variants in TCIRG1 are known to be pathogenic (PMID: 10888887, 10942435, 11532986, 19448635). This variant is present in population databases (rs371263807, gnomAD 0.02%). This premature translational stop signal has been observed in individuals with TCIRG1-related conditions (PMID: 11532986). ClinVar contains an entry for this variant (Variation ID: 551284). For these reasons, this variant has been classified as Pathogenic.

Johns Hopkins Genomics, Johns Hopkins University
Classification: Pathogenic for Autosomal recessive osteopetrosis 1. Last evaluated: 2024-08-29. Review status: criteria provided, single submitter. Criteria: ACMG Guidelines, 2015. Collection method: clinical testing. Allele origin: germline.
Comment: This TCIRG1 variant has been identified in homozygous and compound heterozygous states in unrelated patients with osteopetrosis. This variant (rs371263807) is rare (<0.1%) in a large population dataset (gnomAD v4.1.0: 118/1570360 total alleles; 0.008%; no homozygotes) and has been reported in ClinVar (Variation ID 551284). This nonsense variant results in a premature stop codon in exon 16 of 20, likely leading to nonsense-mediated decay and lack of protein production. We consider c.2008C>T in TCIRG1 to be pathogenic.

Fulgent Genetics
Classification: Pathogenic for Autosomal recessive osteopetrosis 1. Last evaluated: 2024-03-21. Review status: criteria provided, single submitter. Criteria: ACMG Guidelines, 2015. Collection method: clinical testing. Allele origin: germline.

Baylor Genetics
Classification: Pathogenic for Autosomal recessive osteopetrosis 1. Last evaluated: 2024-03-07. Review status: criteria provided, single submitter. Criteria: ACMG Guidelines, 2015. Collection method: clinical testing. Allele origin: unknown.

GeneDx
Classification: Pathogenic. Last evaluated: 2023-02-25. Review status: criteria provided, single submitter. Criteria: GeneDx Variant Classification Process June 2021. Collection method: clinical testing. Allele origin: germline. Affected: yes.
Comment: Nonsense variant predicted to result in protein truncation or nonsense mediated decay in a gene for which loss-of-function is a known mechanism of disease; This variant is associated with the following publications: (PMID: 24535484, 23721911, 31501239, 25525159, 32411386, 31589614, 31949009, 34545712, 11532986)

Department of Pathology and Laboratory Medicine, Sinai Health System
Classification: Pathogenic for Autosomal recessive osteopetrosis 1. Last evaluated: 2023-01-17. Review status: criteria provided, single submitter. Criteria: ACMG Guidelines, 2015. Collection method: research. Allele origin: germline.

Women's Health and Genetics/Laboratory Corporation of America, LabCorp
Classification: Pathogenic for Osteopetrosis. Last evaluated: 2020-05-29. Review status: criteria provided, single submitter. Criteria: LabCorp Variant Classification Summary - May 2015. Collection method: clinical testing. Allele origin: germline.
Comment: Variant summary: TCIRG1 c.2008C>T (p.Arg670X) results in a premature termination codon, predicted to cause a truncation of the encoded protein or absence of the protein due to nonsense mediated decay, which are commonly known mechanisms for disease. The variant allele was found at a frequency of 7.1e-05 in 184378 control chromosomes. This frequency is not significantly higher than expected for a pathogenic variant in TCIRG1 causing Osteopetrosis (7.1e-05 vs 0.0016), allowing no conclusion about variant significance. c.2008C>T has been reported in the literature in individuals affected with Osteopetrosis (Sobacchi_2001, Yang_2018, Yu_2014, Wang_2018). These data indicate that the variant is likely to be associated with disease. To our knowledge, no experimental evidence demonstrating an impact on protein function has been reported. Five clinical diagnostic laboratories have submitted clinical-significance assessments for this variant to ClinVar after 2014 without evidence for independent evaluation. All laboratories classified the variant as pathogenic. Based on the evidence outlined above, the variant was classified as pathogenic.

CeGaT Center for Human Genetics Tuebingen
Classification: Pathogenic. Last evaluated: 2019-11-01. Review status: criteria provided, single submitter. Criteria: CeGaT Center For Human Genetics Tuebingen Variant Classification Criteria Version 2. Collection method: clinical testing. Allele origin: germline. Affected: yes. Observed: 4 variant alleles.

Center for Molecular Medicine, Children’s Hospital of Fudan University
Classification: Pathogenic for Autosomal recessive osteopetrosis 1. Last evaluated: 2019-05-10. Review status: criteria provided, single submitter. Criteria: ACMG Guidelines, 2015. Collection method: clinical testing. Allele origin: maternal. Affected: yes.

Juno Genomics, Hangzhou Juno Genomics, Inc
Classification: Pathogenic for Autosomal recessive osteopetrosis 1. Review status: criteria provided, single submitter. Criteria: ACMG Guidelines, 2015. Collection method: clinical testing. Allele origin: germline.
Comment: Absent from controls (or at extremely low frequency if recessive) in Genome Aggregation Database.;Null variant in a gene where loss of function (LOF) is a known mechanism of disease.;For recessive disorders, detected in trans with a pathogenic variant.

Counsyl
Classification: Pathogenic for Autosomal recessive osteopetrosis 1. Last evaluated: 2017-03-29. Review status: no assertion criteria provided. Collection method: clinical testing. Allele origin: unknown. Not counted in ClinVar's aggregate classification.

Literature cited by the submitters: PubMed 30539151 (cited by Natera, Inc.); PubMed 10888887 (cited by Labcorp Genetics (formerly Invitae), Labcorp); PubMed 10942435 (cited by Labcorp Genetics (formerly Invitae), Labcorp); PubMed 11532986 (cited by 3 submitters); PubMed 19448635 (cited by Labcorp Genetics (formerly Invitae), Labcorp); PubMed 34545712 (cited by Johns Hopkins Genomics, Johns Hopkins University); PubMed 25326635 (cited by Baylor Genetics); PubMed 31949762 (cited by Women's Health and Genetics/Laboratory Corporation of America, LabCorp); PubMed 30431110 (cited by Women's Health and Genetics/Laboratory Corporation of America, LabCorp); PubMed 24535484 (cited by Women's Health and Genetics/Laboratory Corporation of America, LabCorp and Counsyl); PubMed 23721911 (cited by Counsyl).